The following is an entry in ClinVar:

ClinVar aggregate classification (germline): Uncertain significance (1 of 4 stars; one submission).

Conditions:
Wilson disease (WND). Also called: Wilson's disease. Identifiers: Orphanet 905, MedGen C0019202, MONDO:0010200, OMIM 277900. Disease mechanism: loss of function.

Allele frequency attached by ClinVar (database versions not stated): gnomAD exomes below 0.00001.
gnomAD v4.1: 1 of 1,614,224 alleles (0.000062%); highest among the groups gnomAD compares: Admixed American, 0.0017%; no homozygotes.

Submission:

All of Us Research Program, National Institutes of Health
Classification: Uncertain significance for Wilson disease. Last evaluated: 2023-04-03. Review status: criteria provided, single submitter. Criteria: ACMG Guidelines, 2015. Collection method: clinical testing. Allele origin: germline. Inheritance: Autosomal recessive inheritance. Observed: 1 variant allele, 1 heterozygote.
Comment: This missense variant replaces methionine with isoleucine at codon 33 of the ATP7B protein. Computational prediction suggests that this variant may not impact protein structure and function (internally defined REVEL score threshold <= 0.5, PMID: 27666373). To our knowledge, functional studies have not been reported for this variant. This variant has not been reported in individuals affected with ATP7B-related disorders in the literature. This variant has not been identified in the general population by the Genome Aggregation Database (gnomAD). The available evidence is insufficient to determine the role of this variant in disease conclusively. Therefore, this variant is classified as a Variant of Uncertain Significance.

This study involves interpretation of variants in research participants for the purpose of population health screening. Participant phenotype was not available at the time of variant classification. Additional details can be found in publication PMID: 35346344, PMCID: PMC8962531

NM_000053.4(ATP7B):c.99G>A (p.Met33Ile)

Gene: ATP7B (ATPase copper transporting beta; minus strand). Cytogenetic location: 13q14.3.
Variant type: single nucleotide variant.
Coding change: c.99G>A on transcript NM_000053.4 (MANE Select); coding-DNA position 99, G replaced by A.
Protein change: p.Met33Ile; replaces methionine 33 with isoleucine.
Molecular consequence: missense variant. On other transcripts: initiator codon variant (7).
Genome position (GRCh38, 1-based): chr13:51,975,121, C>T on the plus strand (G>A on the coding strand, the complement: ATP7B is on the minus strand). VCF-style: chr13-51975121-C-T. GRCh37 (hg19) VCF-style: chr13-52549257-C-T.
Other names: c.3G>A, p.Met1Ile (NM_001406543.1, NM_001406544.1, NM_001406517.1 and 4 more transcripts); c.99G>A, p.Met33Ile (NM_001406545.1, NM_001406546.1, NM_001406547.1 and 30 more transcripts); short protein forms M1I, M33I.
Identifiers: ClinVar variation 3070141 (VCV003070141.1), dbSNP rs2547826124, ClinGen allele CA388045336.